The following is an entry in ClinVar:

NM_001122764.3(PPOX):c.851G>A (p.Ser284Asn)

Gene: PPOX (protoporphyrinogen oxidase; plus strand). Cytogenetic location: 1q23.3.
Variant type: single nucleotide variant.
Coding change: c.851G>A on transcript NM_001122764.3 (MANE Select); coding-DNA position 851, G replaced by A.
Protein change: p.Ser284Asn; replaces serine 284 with asparagine.
Molecular consequence: missense variant.
Genome position (GRCh38, 1-based): chr1:161,169,703, G>A. VCF-style: chr1-161169703-G-A. GRCh37 (hg19) VCF-style: chr1-161139493-G-A.
Other names: c.851G>A, p.Ser284Asn (NM_000309.5, NM_001365398.1, NM_001365399.1); c.752G>A, p.Ser251Asn (NM_001350128.2); c.443G>A, p.Ser148Asn (NM_001350129.2, NM_001365400.1); c.365G>A, p.Ser122Asn (NM_001350130.2, NM_001350131.2, NM_001365401.1); short protein forms S122N, S148N, S251N, S284N.
Identifiers: ClinVar variation 4854407 (VCV004854407.1).

ClinVar aggregate classification (germline): Uncertain significance (1 of 4 stars; one submission).

Conditions:
Variegate porphyria, childhood-onset (VPCO). Also called: VARIEGATE PORPHYRIA, HOMOZYGOUS VARIANT. Identifiers: MedGen C5882681, MONDO:0957577, OMIM 620483.

Submission:

3billion
Classification: Uncertain significance for Variegate porphyria, childhood-onset. Last evaluated: 2026-01-22. Review status: criteria provided, single submitter. Criteria: ACMG Guidelines, 2015. Collection method: clinical testing. Allele origin: germline. Affected: yes.
Comment: The variant is not observed in the gnomAD v4.1.0 dataset. Predicted Consequence/Location: Missense variant In silico tool predictions suggest damaging effect of the variant on gene or gene product [REVEL: 0.69 (>=0.6, sensitivity 0.68 and specificity 0.92)]. A different missense change at the same codon (p.Ser284Ile) has been reported to be associated with PPOX-related disorder (PMID: 12699245). However the evidence of pathogenicity is insufficient at this time. Therefore, this variant is classified as VUS according to the recommendation of ACMG/AMP guideline.

Literature cited by the submitters: PubMed 12699245.